The following is an entry in ClinVar:

ClinVar aggregate classification (germline): Likely pathogenic (1 of 4 stars; one submission).

Submission:

CeGaT Center for Human Genetics Tuebingen
Classification: Likely pathogenic. Last evaluated: 2023-08-01. Review status: criteria provided, single submitter. Criteria: CeGaT Center For Human Genetics Tuebingen Variant Classification Criteria Version 2. Collection method: clinical testing. Allele origin: germline. Affected: yes. Observed: 2 variant alleles.
Comment: DSP: PVS1, PM2:Supporting

NM_004415.4(DSP):c.3751del (p.Asp1251fs)

Gene: DSP (desmoplakin; plus strand). Cytogenetic location: 6p24.3.
Variant type: Deletion.
Coding change: c.3751del on transcript NM_004415.4 (MANE Select); coding-DNA position 3751, one base deleted (G; older notation c.3751delG).
Protein change: p.Asp1251fs; shifts the reading frame from aspartic acid 1251.
Molecular consequence: frameshift variant. On other transcripts: intron variant (1).
Genome position (GRCh38, 1-based): chr6:7,579,941, G deleted; the last of 2 consecutive G bases (chr6:7,579,940-7,579,941); deleting either gives the same sequence. VCF-style (leftmost placement, unchanged base first): chr6-7579939-AG-A. GRCh37 (hg19) VCF-style: chr6-7580172-AG-A.
Other names: c.3751del, p.Asp1251fs (NM_001319034.2); c.3582+169del (NM_001008844.3); short protein forms D1251fs.
Identifiers: ClinVar variation 2578993 (VCV002578993.25), dbSNP rs1464644246, ClinGen allele CA565358126.
Genomic context (GRCh38, chr6:7,579,939, plus strand): 5'-ATGATTCCAAAAATCTTAGAAACCAGCTTGATAGACTTTCAAGGGAAAATCGAGATCTGA[AG>A]GATGAAATTGTCAGGCTCAATGACAGCATCTTGCAGGCCACTGAGCAGCGAAGGCGAGCT-3'